The following is an entry in ClinVar:

NM_000235.4(LIPA):c.964C>T (p.Gln322Ter)

Gene: LIPA (lipase A, lysosomal acid type; minus strand). Cytogenetic location: 10q23.31.
Variant type: single nucleotide variant.
Coding change: c.964C>T on transcript NM_000235.4 (MANE Select); coding-DNA position 964, C replaced by T.
Protein change: p.Gln322Ter; replaces glutamine 322 with a stop codon.
Molecular consequence: nonsense.
Genome position (GRCh38, 1-based): chr10:89,215,940, G>A on the plus strand (C>T on the coding strand, the complement: LIPA is on the minus strand). VCF-style: chr10-89215940-G-A. GRCh37 (hg19) VCF-style: chr10-90975697-G-A.
Other names: c.964C>T, p.Gln322Ter (NM_001127605.3); c.616C>T, p.Gln206Ter (NM_001288979.2); short protein forms Q206*, Q322*.
Identifiers: ClinVar variation 2808179 (VCV002808179.3), dbSNP rs2495558424, ClinGen allele CA377516457.

ClinVar aggregate classification (germline): Pathogenic (1 of 4 stars; one submission).

Conditions:
Wolman disease (WOLD). Also called: Acid cholesteryl ester hydrolase deficiency, Wolman type; Acid lipase disease; Wolman disease, CESD; Wolman disease with hypolipoproteinemia and acanthocytosis; LYSOSOMAL ACID LIPASE DEFICIENCY, ACUTE INFANTILE; LYSOSOMAL ACID LIPASE DEFICIENCY, COMPLETE. Identifiers: Orphanet 75233, MedGen C0043208, MONDO:0019148, OMIM 620151.

gnomAD v4.1: 1 of 1,602,644 alleles (0.000062%); highest among the groups gnomAD compares: Non-Finnish European, 0.000085%; no homozygotes.

Submission:

Labcorp Genetics (formerly Invitae), Labcorp
Classification: Pathogenic for Wolman disease. Last evaluated: 2024-01-02. Review status: criteria provided, single submitter. Criteria: Invitae Variant Classification Sherloc (09022015). Collection method: clinical testing. Allele origin: germline.
Comment: This sequence change creates a premature translational stop signal (p.Gln322*) in the LIPA gene. While this is not anticipated to result in nonsense mediated decay, it is expected to disrupt the last 78 amino acid(s) of the LIPA protein. This variant is not present in population databases (gnomAD no frequency). This variant has not been reported in the literature in individuals affected with LIPA-related conditions. Algorithms developed to predict the effect of sequence changes on RNA splicing suggest that this variant may disrupt the consensus splice site. This variant disrupts a region of the LIPA protein in which other variant(s) (p.Leu357Pro) have been determined to be pathogenic (PMID: 7499245, 7773732, 31131398, 31180157). This suggests that this is a clinically significant region of the protein, and that variants that disrupt it are likely to be disease-causing. For these reasons, this variant has been classified as Pathogenic.

Literature cited by the submitters: PubMed 7499245; PubMed 7773732; PubMed 31131398; PubMed 31180157.